The following is an entry in ClinVar:

NM_001303052.2(MYT1L):c.1386G>T (p.Met462Ile)

Gene: MYT1L (myelin transcription factor 1 like; minus strand). Cytogenetic location: 2p25.3.
Variant type: single nucleotide variant.
Coding change: c.1386G>T on transcript NM_001303052.2 (MANE Select); coding-DNA position 1386, G replaced by T.
Protein change: p.Met462Ile; replaces methionine 462 with isoleucine.
Molecular consequence: missense variant.
Genome position (GRCh38, 1-based): chr2:1,922,383, C>A on the plus strand (G>T on the coding strand, the complement: MYT1L is on the minus strand). VCF-style: chr2-1922383-C-A. GRCh37 (hg19) VCF-style: chr2-1926155-C-A.
Other names: c.1386G>T, p.Met462Ile (NM_001329844.2, NM_001329845.1, NM_001329846.3 and 6 more transcripts); short protein forms M462I.
Identifiers: ClinVar variation 4683069 (VCV004683069.1).
Genomic context (GRCh38, chr2:1,922,383, plus strand): 5'-GGATTTAGGCTTTCTGTCCTCCCCGGGAAGTTGTCTCGGAGACTGGTCCTCATATGACCT[C>A]ATATTGTCCCTCCTCCCAGCTTCCATGGCCATCTTCTCCCTCATGGCCTTTGCTCTTTCC-3'
Protein context (NP_001289981.1, residues 452-472): MAMEAGRRDN[Met462Ile]RSYEDQSPRQ

ClinVar aggregate classification (germline): Uncertain significance (1 of 4 stars; one submission).

Conditions:
Early onset severe obesity. Identifiers: MedGen C4013980.

gnomAD v4.1: 10 of 1,613,874 alleles (0.00062%); highest among the groups gnomAD compares: Non-Finnish European, 0.00085%; no homozygotes.

Submission:

Cambridge Genomics Laboratory, East Genomic Laboratory Hub, NHS Genomic Medicine Service
Classification: Uncertain significance for Severe early-onset obesity. Last evaluated: 2025-02-05. Review status: criteria provided, single submitter. Criteria: ACGS Best Practice Guidelines for Variant Classification in Rare Disease 2020. Collection method: clinical testing. Allele origin: germline. Affected: yes.
Comment: PM2,PP2,BP4